The following is an entry in ClinVar:

ClinVar aggregate classification (germline): Uncertain significance (1 of 4 stars; one submission).

Conditions:
Oligodontia-cancer predisposition syndrome. Also called: TOOTH AGENESIS-COLORECTAL CANCER SYNDROME. Identifiers: Orphanet 300576, MedGen C1837750, MONDO:0012075, OMIM 608615. Disease mechanism: loss of function.

Submission:

Labcorp Genetics (formerly Invitae), Labcorp
Classification: Uncertain significance for Oligodontia-cancer predisposition syndrome. Last evaluated: 2025-09-08. Review status: criteria provided, single submitter. Criteria: Invitae Variant Classification Sherloc (09022015). Collection method: clinical testing. Allele origin: germline.
Comment: This variant, c.1549_1566dup, results in the insertion of 6 amino acid(s) of the AXIN2 protein (p.His517_His522dup), but otherwise preserves the integrity of the reading frame. This variant is not present in population databases (gnomAD no frequency). This variant has not been reported in the literature in individuals affected with AXIN2-related conditions. ClinVar contains an entry for this variant (Variation ID: 2821390). In summary, the available evidence is currently insufficient to determine the role of this variant in disease. Therefore, it has been classified as a Variant of Uncertain Significance.

NM_004655.4(AXIN2):c.1549_1566dup (p.His522_Ala523insHisTyrIleHisHisHis)

Gene: AXIN2 (axin 2; minus strand). Cytogenetic location: 17q24.1.
Variant type: Duplication.
Coding change: c.1549_1566dup on transcript NM_004655.4 (MANE Select); coding-DNA positions 1549 to 1566, 18 bases duplicated (CACTACATCCACCACCAT).
Protein change: p.His522_Ala523insHisTyrIleHisHisHis.
Molecular consequence: inframe insertion.
Genome position (GRCh38, 1-based): chr17:65,537,470-65,537,487, ATGGTGGTGGATGTAGTG duplicated on the plus strand (CACTACATCCACCACCAT on the coding strand, the reverse complement: AXIN2 is on the minus strand). VCF-style (leftmost placement, unchanged base first): chr17-65537469-C-CATGGTGGTGGATGTAGTG. GRCh37 (hg19) VCF-style: chr17-63533587-C-CATGGTGGTGGATGTAGTG.
Other names: c.1549_1566dup, p.His522_Ala523insHisTyrIleHisHisHis (NM_001363813.1).
Identifiers: ClinVar variation 2821390 (VCV002821390.3), dbSNP rs2509412986, ClinGen allele CA2739268336.